The following is an entry in ClinVar:

NM_002055.5(GFAP):c.262C>T (p.Arg88Cys)

Gene: GFAP (glial fibrillary acidic protein; minus strand). Cytogenetic location: 17q21.31.
Variant type: single nucleotide variant.
Coding change: c.262C>T on transcript NM_002055.5 (MANE Select); coding-DNA position 262, C replaced by T.
Protein change: p.Arg88Cys; replaces arginine 88 with cysteine.
Molecular consequence: missense variant.
Genome position (GRCh38, 1-based): chr17:44,915,225, G>A on the plus strand (C>T on the coding strand, the complement: GFAP is on the minus strand). VCF-style: chr17-44915225-G-A. GRCh37 (hg19) VCF-style: chr17-42992593-G-A.
Other names: NM_002055.5(GFAP):c.262C>T; c.262C>T, p.Arg88Cys (NM_001131019.3, NM_001242376.3, NM_001363846.2); short protein forms R88C.
Identifiers: ClinVar variation 16172 (VCV000016172.41), dbSNP rs61622935, ClinGen allele CA217183.

ClinVar aggregate classification (germline): Pathogenic. Review status: reviewed by expert panel (3 of 4 stars). 12 submissions from 12 submitters: Pathogenic (1). 11 of the submissions do not count toward it. Last evaluated 2026-08-18.

Conditions:
Alexander disease (ALXDRD). Also called: Alexander's disease. Identifiers: Orphanet 58, MedGen C0270726, MONDO:0008752, OMIM 203450.

Allele frequency attached by ClinVar (database versions not stated): gnomAD 0.00001; 1000 Genomes Project 30x 0.00016.

Submissions (12):

ClinGen Leukodystrophy and Leukoencephalopathy Variant Curation Expert Panel, ClinGen
Classification: Pathogenic for Alexander disease. Last evaluated: 2026-08-18. Review status: reviewed by expert panel. Criteria: ClinGen Leuko ACMG Specifications GFAP V1.0. Collection method: curation. Allele origin: germline. Inheritance: Autosomal dominant inheritance.
Comment: The NM_002055.5(GFAP):c.262C>T, variant in GFAP is a missense variant predicited to cause a substitution of arginine by cysteine at amino acid 88 (p.Arg88Cys). At least one proband with this variant displayed elevated GFAP protein levels in plasma, serum, or CSF, which is highly specific for Alexander Disease (PP4_[Strong], PMID: 26478912). This variant has been reported in three probands who met diagnostic criteria for Alexander Disease per ClinGen Leukodystrophy and Leukoencephalopathy Expert Panel Specifications to the ACMG/AMP Variant Interpretation Guidelines for GFAP Version 1.0.0 (PS4; PMID:23364391, PMID:15732097) This variant has been identified as a de novo occurrence with confirmed parental relationships in two individual who met diagnostic criteria for Alexander Disease per ClinGen Leukodystrophy and Leukoencephalopathy Expert Panel Specifications to the ACMG/AMP Variant Interpretation Guidelines for GFAP Version 1.0.0 (PS2; PMID:23364391). Immunoassay with Western blot in iPSC cells transfected with the variant showed protein aggregation compared to wild type controls indicating that this variant impacts protein function (PS3; PMID: 30355500). This variant resides within a region, amino acids 59 - 88, of GFAP that is defined as a region with significant missense constraint by the ClinGen Leukodystrophy and Leukoencephalopathy Expert Panel Specifications to the ACMG/AMP Variant Interpretation Guidelines for GFAP Version 1.0.0 (PM1). In summary, this variant meets the criteria to be classified as Pathogenic for Alexander Disease based on the ACMG/AMP criteria applied, as specified by the ClinGen Leukodystrophy and Leukoencephalopathy VCEP: PS2, PS3, PS4, PM1, PP4_strong (ClinGen Leukodystrophy and Leukoencephalopathy VCEP Specifications Version 1.0.0).

Center of Human Genetics, Hôpital Erasme
Classification: Pathogenic for Alexander disease. Last evaluated: 2025-01-01. Review status: criteria provided, single submitter. Criteria: ACMG Guidelines, 2015. Collection method: clinical testing. Allele origin: unknown. Affected: yes. Not counted in ClinVar's aggregate classification.

Labcorp Genetics (formerly Invitae), Labcorp
Classification: Pathogenic. Last evaluated: 2024-12-09. Review status: criteria provided, single submitter. Criteria: Invitae Variant Classification Sherloc (09022015). Collection method: clinical testing. Allele origin: germline. Not counted in ClinVar's aggregate classification.
Comment: This sequence change replaces arginine, which is basic and polar, with cysteine, which is neutral and slightly polar, at codon 88 of the GFAP protein (p.Arg88Cys). This variant is not present in population databases (gnomAD no frequency). This missense change has been observed in individual(s) with Alexander disease (PMID: 11567214, 15732097, 26478912). In at least one individual the variant was observed to be de novo. ClinVar contains an entry for this variant (Variation ID: 16172). Invitae Evidence Modeling of protein sequence and biophysical properties (such as structural, functional, and spatial information, amino acid conservation, physicochemical variation, residue mobility, and thermodynamic stability) indicates that this missense variant is expected to disrupt GFAP protein function with a positive predictive value of 95%. For these reasons, this variant has been classified as Pathogenic.

3billion
Classification: Pathogenic for Alexander disease. Last evaluated: 2024-06-28. Review status: criteria provided, single submitter. Criteria: ACMG Guidelines, 2015. Collection method: clinical testing. Allele origin: germline. Affected: yes. Not counted in ClinVar's aggregate classification.
Comment: The variant is observed at an extremely low frequency in the gnomAD v4.0.0 dataset (total allele frequency: <0.001%). Predicted Consequence/Location: Missense changes are a common disease-causing mechanism. Functional studies provide strong evidence of the variant having a damaging effect on the gene or gene product (PMID: 17318298). In silico tool predictions suggest damaging effect of the variant on gene or gene product [REVEL: 0.94 (>=0.6, sensitivity 0.68 and specificity 0.92); 3Cnet: 0.93 (>=0.6, sensitivity 0.72 and precision 0.9)]. The same nucleotide change resulting in the same amino acid change has been previously reported as pathogenic/likely pathogenic with strong evidence (ClinVar ID: VCV000016172 /PMID: 11567214 /3billion dataset). A different missense change at the same codon (p.Arg88Ser) has been reported to be associated with GFAP related disorder (ClinVar ID: VCV000016173 /PMID: 11567214). Therefore, this variant is classified as Pathogenic according to the recommendation of ACMG/AMP guideline.

GeneDx
Classification: Pathogenic. Last evaluated: 2024-02-20. Review status: criteria provided, single submitter. Criteria: GeneDx Variant Classification Process June 2021. Collection method: clinical testing. Allele origin: germline. Affected: yes. Not counted in ClinVar's aggregate classification.
Comment: In silico analysis supports that this missense variant has a deleterious effect on protein structure/function; Not observed at significant frequency in large population cohorts (gnomAD); This variant is associated with the following publications: (PMID: 17629821, 16505300, 34865968, 36088400, 17318298, 11567214, 26478912, 15477559, 15732097, 12034785, 18079314, 16217707, 17894839, 34146839, 35831840, 31069529, 36601294)

CeGaT Center for Human Genetics Tuebingen
Classification: Pathogenic. Last evaluated: 2023-09-01. Review status: criteria provided, single submitter. Criteria: CeGaT Center For Human Genetics Tuebingen Variant Classification Criteria Version 2. Collection method: clinical testing. Allele origin: germline. Affected: yes. Observed: 1 variant allele. Not counted in ClinVar's aggregate classification.
Comment: GFAP: PM6:Strong, PM1, PM2, PM5, PS4:Moderate, PP4, PS3:Supporting

Laboratorio de Genetica e Diagnostico Molecular, Hospital Israelita Albert Einstein
Classification: Pathogenic for Alexander disease. Last evaluated: 2022-10-28. Review status: criteria provided, single submitter. Criteria: ACMG Guidelines, 2015. Collection method: clinical testing. Allele origin: germline. Affected: yes. Not counted in ClinVar's aggregate classification.
Comment: ACMG classification criteria: PS1 strong, PS3 supporting, PS4 strong, PM2 moderated, PM6 moderated, PP3 supporting

Athena Diagnostics
Classification: Pathogenic. Last evaluated: 2019-09-30. Review status: criteria provided, single submitter. Criteria: Athena Diagnostics Criteria. Collection method: clinical testing. Allele origin: unknown. Not counted in ClinVar's aggregate classification.
Comment: Not found in the total gnomAD dataset, and the data is high quality. Predicted to have a damaging effect on the protein. Assessment of experimental evidence regarding the effect of this variant on protein function is inconclusive. 10 de novo cases with parental identity not confirmed.

Kasturba Medical College, Manipal, Kasturba Medical College, Manipal, Manipal Academy of Higher Education, Manipal, India
Classification: Pathogenic for Alexander disease. Review status: criteria provided, single submitter. Criteria: ACMG Guidelines, 2015. Collection method: clinical testing. Allele origin: de novo. Inheritance: Autosomal dominant inheritance. Affected: yes. Observed: 1 heterozygote. Not counted in ClinVar's aggregate classification.

OMIM
Classification: Pathogenic for ALEXANDER DISEASE. Last evaluated: 2001-11-01. Review status: no assertion criteria provided. Collection method: literature only. Allele origin: germline. Not counted in ClinVar's aggregate classification.

Epithelial Biology;  Institute of Medical Biology, Singapore
No classification provided. Review status: no classification provided. Collection method: not provided. Allele origin: not provided. Not counted in ClinVar's aggregate classification.

GeneReviews
No classification provided. Condition: Alexander disease. Review status: no classification provided. Collection method: literature only. Allele origin: germline. Not counted in ClinVar's aggregate classification.

Literature cited by the submitters: PubMed 11567214 (cited by 5 submitters); PubMed 15732097 (cited by 3 submitters); PubMed 26478912 (cited by Labcorp Genetics (formerly Invitae), Labcorp and Athena Diagnostics); PubMed 17318298 (cited by 3billion and Athena Diagnostics); PubMed 26208460 (cited by Athena Diagnostics); PubMed 30628038 (cited by Athena Diagnostics); PubMed 26743065 (cited by Athena Diagnostics); PubMed 19484233 (cited by Athena Diagnostics); PubMed 16217707 (cited by Athena Diagnostics and GeneReviews); PubMed 15477559 (cited by Athena Diagnostics and GeneReviews); PubMed 18079314 (cited by Athena Diagnostics and GeneReviews); PubMed 17894839 (cited by Athena Diagnostics and GeneReviews); PubMed 16505300 (cited by Athena Diagnostics and GeneReviews); PubMed 12034785 (cited by Athena Diagnostics and GeneReviews); NCBI Bookshelf NBK1172 (cited by GeneReviews); PubMed 17629821 (cited by GeneReviews); PubMed 21533827 (cited by GeneReviews).